The following is an entry in ClinVar:

NM_031935.3(HMCN1):c.14539G>A (p.Val4847Ile)

Gene: HMCN1 (hemicentin 1; plus strand). Cytogenetic location: 1q31.1.
Variant type: single nucleotide variant.
Coding change: c.14539G>A on transcript NM_031935.3 (MANE Select); coding-DNA position 14539, G replaced by A.
Protein change: p.Val4847Ile; replaces valine 4847 with isoleucine.
Molecular consequence: missense variant.
Genome position (GRCh38, 1-based): chr1:186,145,854, G>A. VCF-style: chr1-186145854-G-A. GRCh37 (hg19) VCF-style: chr1-186114986-G-A.
Other names: c.14539G>A (NM_031935.2); short protein forms V4847I.
Identifiers: ClinVar variation 1983512 (VCV001983512.8), dbSNP rs200816711, ClinGen allele CA1294982.

ClinVar aggregate classification (germline): Uncertain significance. Review status: criteria provided, multiple submitters, no conflicts (2 of 4 stars). 3 submissions from 3 submitters: Uncertain significance (3). Last evaluated 2025-09-09.

Conditions:
Age related macular degeneration 1 (ARMD1). Also called: MACULOPATHY, AGE-RELATED, 1. Identifiers: MedGen C1864205, MONDO:0011285, OMIM 603075.

Allele frequency attached by ClinVar (database versions not stated): TOPMed 0.00002; ExAC 0.00003; gnomAD 0.00003; 1000 Genomes Project 30x 0.00016; 1000 Genomes Project 0.00020.
gnomAD v4.1: 25 of 1,614,070 alleles (0.0015%); highest among the groups gnomAD compares: East Asian, 0.038%; no homozygotes.

Submissions (3):

Ambry Genetics
Classification: Uncertain significance. Last evaluated: 2025-09-09. Review status: criteria provided, single submitter. Criteria: Ambry Variant Classification Scheme 2023. Collection method: clinical testing. Allele origin: germline.

Labcorp Genetics (formerly Invitae), Labcorp
Classification: Uncertain significance. Last evaluated: 2025-01-21. Review status: criteria provided, single submitter. Criteria: Invitae Variant Classification Sherloc (09022015). Collection method: clinical testing. Allele origin: germline.
Comment: This sequence change replaces valine, which is neutral and non-polar, with isoleucine, which is neutral and non-polar, at codon 4847 of the HMCN1 protein (p.Val4847Ile). This variant is present in population databases (rs200816711, gnomAD 0.06%), and has an allele count higher than expected for a pathogenic variant. This variant has not been reported in the literature in individuals affected with HMCN1-related conditions. ClinVar contains an entry for this variant (Variation ID: 1983512). An algorithm developed to predict the effect of missense changes on protein structure and function (PolyPhen-2) suggests that this variant is likely to be tolerated. In summary, the available evidence is currently insufficient to determine the role of this variant in disease. Therefore, it has been classified as a Variant of Uncertain Significance.

Genome-Nilou Lab
Classification: Uncertain significance for Age related macular degeneration 1. Last evaluated: 2023-04-11. Review status: criteria provided, single submitter. Criteria: ACMG Guidelines, 2015. Collection method: clinical testing. Allele origin: germline. Affected: no.